The following is an entry in ClinVar:

NM_024514.5(CYP2R1):c.859G>A (p.Gly287Ser)

Genes: PDE3B (phosphodiesterase 3B; plus strand), CYP2R1 (cytochrome P450 family 2 subfamily R member 1; minus strand). Cytogenetic location: 11p15.2.
Variant type: single nucleotide variant.
Coding change: c.859G>A on transcript NM_024514.5 (MANE Select); coding-DNA position 859, G replaced by A.
Protein change: p.Gly287Ser; replaces glycine 287 with serine.
Molecular consequence: missense variant.
Genome position (GRCh38, 1-based): chr11:14,880,277, C>T on the plus strand (G>A on the coding strand, the complement: CYP2R1 is on the minus strand). VCF-style: chr11-14880277-C-T. GRCh37 (hg19) VCF-style: chr11-14901823-C-T.
Other names: c.514G>A, p.Gly172Ser (NM_001377214.1, NM_001377215.1, NM_001377216.1 and 1 more transcripts); c.697G>A, p.Gly233Ser (NM_001377217.1); short protein forms G287S, G172S, G233S.
Identifiers: ClinVar variation 1435363 (VCV001435363.6), dbSNP rs1555011557, ClinGen allele CA379747205.

ClinVar aggregate classification (germline): Uncertain significance (1 of 4 stars; one submission).

Allele frequency attached by ClinVar (database versions not stated): gnomAD exomes below 0.00001.
gnomAD v4.1: 1 of 1,613,004 alleles (0.000062%); highest among the groups gnomAD compares: Admixed American, 0.0017%; no homozygotes.

Submission:

Labcorp Genetics (formerly Invitae), Labcorp
Classification: Uncertain significance. Last evaluated: 2021-10-25. Review status: criteria provided, single submitter. Criteria: Invitae Variant Classification Sherloc (09022015). Collection method: clinical testing. Allele origin: germline.
Comment: This variant is present in population databases (no rsID available, gnomAD 0.003%). In summary, the available evidence is currently insufficient to determine the role of this variant in disease. Therefore, it has been classified as a Variant of Uncertain Significance. Algorithms developed to predict the effect of missense changes on protein structure and function output the following: SIFT: "Tolerated"; PolyPhen-2: "Benign"; Align-GVGD: "Class C0". The serine amino acid residue is found in multiple mammalian species, which suggests that this missense change does not adversely affect protein function. This variant has not been reported in the literature in individuals affected with CYP2R1-related conditions. This sequence change replaces glycine, which is neutral and non-polar, with serine, which is neutral and polar, at codon 287 of the CYP2R1 protein (p.Gly287Ser).